The following is an entry in ClinVar:

ClinVar aggregate classification (germline): Uncertain significance (1 of 4 stars; one submission).

Conditions:
Hereditary cancer-predisposing syndrome. Also called: Hereditary Cancer Syndrome; Hereditary neoplastic syndrome; Neoplastic Syndromes, Hereditary; Tumor predisposition. Identifiers: Orphanet 140162, MedGen C0027672, MeSH D009386, MONDO:0015356.

Submission:

Ambry Genetics
Classification: Uncertain significance for Hereditary cancer-predisposing syndrome. Last evaluated: 2021-03-29. Review status: criteria provided, single submitter. Criteria: Ambry Variant Classification Scheme 2023. Collection method: clinical testing. Allele origin: germline.
Comment: The p.T43K variant (also known as c.128C>A), located in coding exon 1 of the RAD50 gene, results from a C to A substitution at nucleotide position 128. The threonine at codon 43 is replaced by lysine, an amino acid with similar properties. This amino acid position is highly conserved in available vertebrate species. In addition, this alteration is predicted to be deleterious by in silico analysis. Since supporting evidence is limited at this time, the clinical significance of this alteration remains unclear.

NM_005732.4(RAD50):c.128C>A (p.Thr43Lys)

Gene: RAD50 (RAD50 double strand break repair protein; plus strand). Cytogenetic location: 5q31.1.
Variant type: single nucleotide variant.
Coding change: c.128C>A on transcript NM_005732.4 (MANE Select); coding-DNA position 128, C replaced by A.
Protein change: p.Thr43Lys; replaces threonine 43 with lysine.
Molecular consequence: missense variant.
Genome position (GRCh38, 1-based): chr5:132,557,452, C>A. VCF-style: chr5-132557452-C-A. GRCh37 (hg19) VCF-style: chr5-131893144-C-A.
Other names: short protein forms T43K.
Identifiers: ClinVar variation 1769057 (VCV001769057.2), dbSNP rs369819304, ClinGen allele CA360952021.
Genomic context (GRCh38, chr5:132,557,452, plus strand): 5'-AAATTATCACTTTCTTCAGCCCCCTTACAATTTTGGTTGGACCCAATGGGGCGGGAAAGA[C>A]GGTAAGTCTTCAGTAGCCGCCTTCAGTTTACAGGTCGCTACATCTTTCGGAGAATAAAAT-3'
Protein context (NP_005723.2, residues 33-53): ILVGPNGAGK[Thr43Lys]TIIECLKYIC